The following is an entry in ClinVar:

ClinVar aggregate classification (germline): Conflicting classifications of pathogenicity. Review status: criteria provided, conflicting classifications (1 of 4 stars). 5 submissions from 5 submitters: Pathogenic (2); Likely pathogenic (1); Uncertain significance (1). 1 of the submissions does not count toward it. Last evaluated 2025-12-02.

Conditions:
Glycine encephalopathy 1 (GCE1). Identifiers: MedGen CN376801, MONDO:0958179, OMIM 605899.
Glycine encephalopathy. Also called: Nonketotic hyperglycinemia; Non-ketotic hyperglycinemia. Identifiers: Orphanet 407, MedGen C0751748, MONDO:0011612, HP:0008288.

Allele frequency attached by ClinVar (database versions not stated): gnomAD exomes below 0.00001.
gnomAD v4.1: 1 of 1,612,480 alleles (0.000062%); highest among the groups gnomAD compares: Non-Finnish European, 0.000085%; no homozygotes.

Submissions (5):

Natera, Inc.
Classification: Likely pathogenic for Non-ketotic hyperglycinemia. Last evaluated: 2025-12-02. Review status: criteria provided, single submitter. Criteria: Natera Variant Classification Schema (03/2026). Collection method: clinical testing. Allele origin: germline.
Comment: The c.2639A>T variant in GLDC is a missense variant predicted to cause substitution of aspartic acid to valine at amino acid 880. This variant is rare in the general population with a frequency below the threshold expected for the associated phenotype(s). This variant has been observed in one or more individuals affected with the associated recessive disease, as either homozygous or compound heterozygous with a second variant (PMID: 27362913). This variant has been identified in one or more affected individuals with a phenotype highly consistent with the associated gene (PMID: 27362913). Computational prediction algorithms indicate this variant is likely to affect gene or protein function. Given the available evidence, this variant is classified as Likely Pathogenic.

Laboratorio de Genetica e Diagnostico Molecular, Hospital Israelita Albert Einstein
Classification: Uncertain significance for Glycine encephalopathy 1. Last evaluated: 2024-05-27. Review status: criteria provided, single submitter. Criteria: ACMG Guidelines, 2015. Collection method: clinical testing. Allele origin: germline. Affected: yes.
Comment: ACMG classification criteria: PM2 supporting, PM3 moderate, PP3 supporting

Labcorp Genetics (formerly Invitae), Labcorp
Classification: Pathogenic for Glycine encephalopathy. Last evaluated: 2023-07-25. Review status: criteria provided, single submitter. Criteria: Invitae Variant Classification Sherloc (09022015). Collection method: clinical testing. Allele origin: germline.
Comment: This sequence change replaces aspartic acid, which is acidic and polar, with valine, which is neutral and non-polar, at codon 880 of the GLDC protein (p.Asp880Val). This variant is not present in population databases (gnomAD no frequency). This missense change has been observed in individual(s) with glycine encephalopathy (PMID: 16601880, 27362913). In at least one individual the data is consistent with being in trans (on the opposite chromosome) from a pathogenic variant. ClinVar contains an entry for this variant (Variation ID: 56085). Advanced modeling of protein sequence and biophysical properties (such as structural, functional, and spatial information, amino acid conservation, physicochemical variation, residue mobility, and thermodynamic stability) performed at Invitae indicates that this missense variant is expected to disrupt GLDC protein function. This variant disrupts the p.Asp880 amino acid residue in GLDC. Other variant(s) that disrupt this residue have been observed in individuals with GLDC-related conditions (PMID: 16601880, 29929752), which suggests that this may be a clinically significant amino acid residue. For these reasons, this variant has been classified as Pathogenic.

Mendelics
Classification: Pathogenic for Glycine encephalopathy 1. Last evaluated: 2022-05-04. Review status: criteria provided, single submitter. Criteria: Mendelics Assertion Criteria 2019. Collection method: clinical testing. Allele origin: germline.

Juha Muilu Group; Institute for Molecular Medicine Finland (FIMM)
Classification: Likely pathogenic for Non-ketotic hyperglycinemia. Review status: no assertion criteria provided. Collection method: not provided. Allele origin: unknown. Not counted in ClinVar's aggregate classification.
Comment: FinDis database variant: This variant was not found or characterized by our laboratory, data were collected from public sources: see reference
ClinVar note: Converted during submission from probable-pathogenic to Likely pathogenic.

Literature cited by the submitters: PubMed 27362913 (cited by Natera, Inc. and Labcorp Genetics (formerly Invitae), Labcorp); PubMed 16601880 (cited by Labcorp Genetics (formerly Invitae), Labcorp); PubMed 29929752 (cited by Labcorp Genetics (formerly Invitae), Labcorp).

NM_000170.3(GLDC):c.2639A>T (p.Asp880Val)

Gene: GLDC (glycine decarboxylase; minus strand). Cytogenetic location: 9p24.1.
Variant type: single nucleotide variant.
Coding change: c.2639A>T on transcript NM_000170.3 (MANE Select); coding-DNA position 2639, A replaced by T.
Protein change: p.Asp880Val; replaces aspartic acid 880 with valine.
Molecular consequence: missense variant.
Genome position (GRCh38, 1-based): chr9:6,540,077, T>A on the plus strand (A>T on the coding strand, the complement: GLDC is on the minus strand). VCF-style: chr9-6540077-T-A. GRCh37 (hg19) VCF-style: chr9-6540077-T-A.
Other names: short protein forms D880V.
Identifiers: ClinVar variation 56085 (VCV000056085.8), dbSNP rs386833566, ClinGen allele CA263392.